The following is an entry in ClinVar:

ClinVar aggregate classification (germline): Uncertain significance (1 of 4 stars; one submission).

Submission:

GeneDx
Classification: Uncertain significance. Last evaluated: 2024-11-18. Review status: criteria provided, single submitter. Criteria: GeneDx Variant Classification Process June 2021. Collection method: clinical testing. Allele origin: germline. Affected: yes.
Comment: Not observed at significant frequency in large population cohorts (gnomAD); In silico analysis supports that this missense variant has a deleterious effect on protein structure/function; Has not been previously published as pathogenic or benign to our knowledge; This substitution is predicted to be within the C-terminal cytoplasmic domain

NM_172107.4(KCNQ2):c.1760C>A (p.Ser587Tyr)

Gene: KCNQ2 (potassium voltage-gated channel subfamily Q member 2; minus strand). Cytogenetic location: 20q13.33.
Variant type: single nucleotide variant.
Coding change: c.1760C>A on transcript NM_172107.4 (MANE Select); coding-DNA position 1760, C replaced by A.
Protein change: p.Ser587Tyr; replaces serine 587 with tyrosine.
Molecular consequence: missense variant.
Genome position (GRCh38, 1-based): chr20:63,413,453, G>T on the plus strand (C>A on the coding strand, the complement: KCNQ2 is on the minus strand). VCF-style: chr20-63413453-G-T. GRCh37 (hg19) VCF-style: chr20-62044806-G-T.
Other names: c.1706C>A, p.Ser569Tyr (NM_001382235.1, NM_172106.3); c.1676C>A, p.Ser559Tyr (NM_004518.6); c.1667C>A, p.Ser556Tyr (NM_172108.5); short protein forms S556Y, S559Y, S569Y, S587Y.
Identifiers: ClinVar variation 3899471 (VCV003899471.1).